The following is an entry in ClinVar:

NM_007294.4(BRCA1):c.5132A>C (p.Lys1711Thr)

Gene: BRCA1 (BRCA1 DNA repair associated; minus strand). Cytogenetic location: 17q21.31.
Variant type: single nucleotide variant.
Coding change: c.5132A>C on transcript NM_007294.4 (MANE Select); coding-DNA position 5132, A replaced by C.
Protein change: p.Lys1711Thr; replaces lysine 1711 with threonine.
Molecular consequence: missense variant. On other transcripts: non-coding transcript variant (1).
Genome position (GRCh38, 1-based): chr17:43,063,894, T>G on the plus strand (A>C on the coding strand, the complement: BRCA1 is on the minus strand). VCF-style: chr17-43063894-T-G. GRCh37 (hg19) VCF-style: chr17-41215911-T-G.
Other names: c.4931A>C, p.Lys1644Thr (NM_001407862.1); c.4925A>C, p.Lys1642Thr (NM_001407874.1, NM_001407875.1); c.4922A>C, p.Lys1641Thr (NM_001407879.1, NM_001407881.1, NM_001407882.1 and 5 more transcripts); c.4919A>C, p.Lys1640Thr (NM_001407897.1, NM_001407898.1, NM_001407899.1 and 12 more transcripts); c.4868A>C, p.Lys1623Thr (NM_001407923.1, NM_001407924.1, NM_001407925.1 and 4 more transcripts); c.4865A>C, p.Lys1622Thr (NM_001407927.1, NM_001407928.1, NM_001407929.1 and 4 more transcripts); c.4991A>C, p.Lys1664Thr (NM_001407942.1, NM_007297.4, NM_001407695.1 and 13 more transcripts); c.4988A>C, p.Lys1663Thr (NM_001407943.1, NM_001407944.1, NM_001407945.1 and 21 more transcripts); and 71 more; short protein forms K1711T, K1664T, K1732T, K607T, K1415T, K1583T, K1600T, K1640T.
Identifiers: ClinVar variation 864994 (VCV000864994.3), dbSNP rs2051914244, ClinGen allele CA10591280.
Genomic context (GRCh38, chr17:43,063,894, plus strand): 5'-GGTGTTAAAGGGAGGAGGGGAGAAATAGTATTATACTTACAGAAATAGCTAACTACCCAT[T>G]TTCCTCCCGCAATTCCTAGAAAATATTTCAGTGTCCGTTCACACACAAACTCAGCATCTG-3'
Protein context (NP_009225.1, residues 1701-1721): LKYFLGIAGG[Lys1711Thr]WVVSYFWVTQ

Conditions:
Breast-ovarian cancer, familial, susceptibility to, 1 (BROVCA1). Also called: BRCA1 Hereditary Breast and Ovarian Cancer; OVARIAN CANCER, SUSCEPTIBILITY TO. Identifiers: Orphanet 145, MedGen C2676676, MONDO:0011450, OMIM 604370. Disease mechanism: loss of function.

Submission:

Brotman Baty Institute, University of Washington
No classification provided (evidence only). Condition: Breast-ovarian cancer, familial 1. Review status: no classification provided. Collection method: in vitro. Allele origin: not applicable. Functional consequence: functionally_normal.
ClinVar note: "not provided" was previously submitted as the classification for the variant. However, the classification appeared to be based only on an observation of functional data so it was converted to no classification on 2025-07-30.